The following is an entry in ClinVar:

ClinVar aggregate classification (germline): Likely benign. Review status: criteria provided, multiple submitters, no conflicts (2 of 4 stars). 2 submissions from 2 submitters: Likely benign (2). Last evaluated 2024-05-20.

Allele frequency attached by ClinVar (database versions not stated): ExAC 0.00001; gnomAD 0.00003 and 0.00004; gnomAD exomes 0.00003; TOPMed 0.00004.
gnomAD v4.1: 48 of 1,613,730 alleles (0.003%); highest among the groups gnomAD compares: African/African-American, 0.0067%; no homozygotes.

Submissions (2):

Labcorp Genetics (formerly Invitae), Labcorp
Classification: Likely benign. Last evaluated: 2024-05-20. Review status: criteria provided, single submitter. Criteria: Invitae Variant Classification Sherloc (09022015). Collection method: clinical testing. Allele origin: germline.

GeneDx
Classification: Likely benign. Last evaluated: 2018-06-05. Review status: criteria provided, single submitter. Criteria: GeneDx Variant Classification (06012015). Collection method: clinical testing. Allele origin: germline. Affected: yes.
Comment: This variant is considered likely benign or benign based on one or more of the following criteria: it is a conservative change, it occurs at a poorly conserved position in the protein, it is predicted to be benign by multiple in silico algorithms, and/or has population frequency not consistent with disease.

NM_144672.4(OTOA):c.63G>A (p.Ser21=)

Gene: OTOA (otoancorin). Cytogenetic location: 16p12.2.
Variant type: single nucleotide variant.
Coding change: c.63G>A on transcript NM_144672.4 (MANE Select); coding-DNA position 63, G replaced by A.
Protein change: p.Ser21=; no amino-acid change (serine 21 retained).
Molecular consequence: synonymous variant.
Genome position (GRCh38, 1-based): chr16:21,678,577, G>A. VCF-style: chr16-21678577-G-A. GRCh37 (hg19) VCF-style: chr16-21689898-G-A.
Identifiers: ClinVar variation 669024 (VCV000669024.4), dbSNP rs780990149, ClinGen allele CA7952148.